The following is an entry in ClinVar:

ClinVar aggregate classification (germline): Pathogenic (1 of 4 stars; one submission).

Conditions:
Primary ciliary dyskinesia 20. Also called: CILIARY DYSKINESIA, PRIMARY, 20, WITH OR WITHOUT SITUS INVERSUS. Identifiers: Orphanet 244, MedGen C3540844, MONDO:0014030, OMIM 615067.

gnomAD v4.1: 9 of 1,542,920 alleles (0.00058%); highest among the groups gnomAD compares: East Asian, 0.017%; no homozygotes.

Submission:

Juno Genomics, Hangzhou Juno Genomics, Inc
Classification: Pathogenic for Primary ciliary dyskinesia 20. Review status: criteria provided, single submitter. Criteria: ACMG Guidelines, 2015. Collection method: clinical testing. Allele origin: germline.
Comment: Absent from controls (or at extremely low frequency if recessive) in Genome Aggregation Database.;Null variant in a gene where loss of function (LOF) is a known mechanism of disease.;For recessive disorders, detected in trans with a pathogenic variant.;Patient's phenotype or family history is highly specific for a disease with a single genetic etiology.

NM_001364171.2(ODAD1):c.71-2A>C

Gene: ODAD1 (outer dynein arm docking complex subunit 1; minus strand). Cytogenetic location: 19q13.33.
Variant type: single nucleotide variant.
Coding change: c.71-2A>C on transcript NM_001364171.2 (MANE Select); the canonical splice acceptor site of the intron before coding-DNA position 71, A replaced by C.
Molecular consequence: splice acceptor variant.
Genome position (GRCh38, 1-based): chr19:48,318,814, T>G on the plus strand (A>C on the coding strand, the complement: ODAD1 is on the minus strand). VCF-style: chr19-48318814-T-G. GRCh37 (hg19) VCF-style: chr19-48822071-T-G.
Other names: c.-41-2A>C (NM_144577.4).
Identifiers: ClinVar variation 3383099 (VCV003383099.4).